The following is an entry in ClinVar:

ClinVar aggregate classification (germline): Uncertain significance. Review status: criteria provided, multiple submitters, no conflicts (2 of 4 stars). 6 submissions from 6 submitters: Uncertain significance (6). Last evaluated 2025-06-18.

Conditions:
Hereditary cancer-predisposing syndrome. Also called: Tumor predisposition; Neoplastic Syndromes, Hereditary; Hereditary Cancer Syndrome; Hereditary neoplastic syndrome. Identifiers: Orphanet 140162, MedGen C0027672, MeSH D009386, MONDO:0015356.
Tuberous sclerosis syndrome (TSC). Also called: Tuberous sclerosis; Tuberous Sclerosis Complex. Identifiers: Orphanet 805, MedGen C0041341, MONDO:0001734.
Isolated focal cortical dysplasia type II (FCORD2). Also called: Focal cortical dysplasia type II; CORTICAL DYSPLASIA OF TAYLOR. Identifiers: Orphanet 268994, MedGen C1846385, MONDO:0011818, OMIM 607341, HP:0032051.
Tuberous sclerosis 2 (TSC2). Identifiers: Orphanet 805, MedGen C1860707, MONDO:0013199, OMIM 613254.

Submissions (6):

Labcorp Genetics (formerly Invitae), Labcorp
Classification: Uncertain significance for Tuberous sclerosis 2. Last evaluated: 2025-06-18. Review status: criteria provided, single submitter. Criteria: Invitae Variant Classification Sherloc (09022015). Collection method: clinical testing. Allele origin: germline.
Comment: This sequence change replaces valine, which is neutral and non-polar, with alanine, which is neutral and non-polar, at codon 249 of the TSC2 protein (p.Val249Ala). This variant is not present in population databases (gnomAD no frequency). This variant has not been reported in the literature in individuals affected with TSC2-related conditions. ClinVar contains an entry for this variant (Variation ID: 643020). Invitae Evidence Modeling of protein sequence and biophysical properties (such as structural, functional, and spatial information, amino acid conservation, physicochemical variation, residue mobility, and thermodynamic stability) indicates that this missense variant is not expected to disrupt TSC2 protein function with a negative predictive value of 95%. In summary, the available evidence is currently insufficient to determine the role of this variant in disease. Therefore, it has been classified as a Variant of Uncertain Significance.

Blueprint Genetics
Classification: Uncertain significance. Last evaluated: 2024-09-11. Review status: criteria provided, single submitter. Criteria: ACMG Guidelines, 2015. Collection method: clinical testing. Allele origin: germline.

Ambry Genetics
Classification: Uncertain significance for Hereditary cancer-predisposing syndrome. Last evaluated: 2024-06-12. Review status: criteria provided, single submitter. Criteria: Ambry Variant Classification Scheme 2023. Collection method: clinical testing. Allele origin: germline.
Comment: The p.V249A variant (also known as c.746T>C), located in coding exon 7 of the TSC2 gene, results from a T to C substitution at nucleotide position 746. The valine at codon 249 is replaced by alanine, an amino acid with similar properties. This amino acid position is well conserved in available vertebrate species. In addition, the in silico prediction for this alteration is inconclusive. Based on the available evidence, the clinical significance of this variant remains unclear.

All of Us Research Program, National Institutes of Health
Classification: Uncertain significance for Tuberous sclerosis syndrome. Last evaluated: 2023-10-06. Review status: criteria provided, single submitter. Criteria: ACMG Guidelines, 2015. Collection method: clinical testing. Allele origin: germline. Inheritance: Autosomal dominant inheritance. Observed: 1 variant allele, 1 heterozygote.
Comment: This missense variant replaces valine with alanine at codon 249 of the TSC2 protein. Computational prediction is inconclusive regarding the impact of this variant on protein structure and function (internally defined REVEL score threshold 0.5 < inconclusive < 0.7, PMID: 27666373). To our knowledge, functional studies have not been reported for this variant. This variant has not been reported in individuals affected with TSC2-related disorders in the literature. This variant has not been identified in the general population by the Genome Aggregation Database (gnomAD). The available evidence is insufficient to determine the role of this variant in disease conclusively. Therefore, this variant is classified as a Variant of Uncertain Significance.

This study involves interpretation of variants in research participants for the purpose of population health screening. Participant phenotype was not available at the time of variant classification. Additional details can be found in publication PMID: 35346344, PMCID: PMC8962531

Color Diagnostics, LLC DBA Color Health
Classification: Uncertain significance for Tuberous sclerosis syndrome. Last evaluated: 2023-09-20. Review status: criteria provided, single submitter. Criteria: ACMG Guidelines, 2015. Collection method: clinical testing. Allele origin: germline.
Comment: This missense variant replaces valine with alanine at codon 249 of the TSC2 protein. Computational prediction is inconclusive regarding the impact of this variant on protein structure and function. To our knowledge, functional studies have not been reported for this variant. This variant has not been reported in individuals affected with TSC2-related disorders in the literature. This variant has not been identified in the general population by the Genome Aggregation Database (gnomAD). The available evidence is insufficient to determine the role of this variant in disease conclusively. Therefore, this variant is classified as a Variant of Uncertain Significance.

Baylor Genetics
Classification: Uncertain significance for Isolated focal cortical dysplasia type II. Last evaluated: 2023-05-01. Review status: criteria provided, single submitter. Criteria: ACMG Guidelines, 2015. Collection method: clinical testing. Allele origin: unknown.

NM_000548.5(TSC2):c.746T>C (p.Val249Ala)

Gene: TSC2 (TSC complex subunit 2; plus strand). Cytogenetic location: 16p13.3.
Variant type: single nucleotide variant.
Coding change: c.746T>C on transcript NM_000548.5 (MANE Select); coding-DNA position 746, T replaced by C.
Protein change: p.Val249Ala; replaces valine 249 with alanine.
Molecular consequence: missense variant.
Genome position (GRCh38, 1-based): chr16:2,056,741, T>C. VCF-style: chr16-2056741-T-C. GRCh37 (hg19) VCF-style: chr16-2106742-T-C.
Other names: c.746T>C, p.Val249Ala (NM_001077183.3, NM_001114382.3, NM_001363528.2 and 3 more transcripts); c.635T>C, p.Val212Ala (NM_001318827.2); c.599T>C, p.Val200Ala (NM_001318829.2); c.146T>C, p.Val49Ala (NM_001318831.2); c.779T>C, p.Val260Ala (NM_001318832.2); short protein forms V200A, V260A, V249A, V49A, V212A.
Identifiers: ClinVar variation 643020 (VCV000643020.16), dbSNP rs1596278719, ClinGen allele CA394312770.